The following is an entry in ClinVar:

NM_001909.5(CTSD):c.*4C>G

Gene: CTSD (cathepsin D; minus strand). Cytogenetic location: 11p15.5.
Variant type: single nucleotide variant.
Coding change: c.*4C>G on transcript NM_001909.5 (MANE Select); 4 bases downstream of the stop codon, C replaced by G.
Molecular consequence: 3 prime UTR variant.
Genome position (GRCh38, 1-based): chr11:1,753,499, G>C on the plus strand (C>G on the coding strand, the complement: CTSD is on the minus strand). VCF-style: chr11-1753499-G-C. GRCh37 (hg19) VCF-style: chr11-1774729-G-C.
Identifiers: ClinVar variation 382634 (VCV000382634.1), dbSNP rs1057521403, ClinGen allele CA16606886.

ClinVar aggregate classification (germline): Likely benign (1 of 4 stars; one submission).

Submission:

GeneDx
Classification: Likely benign. Last evaluated: 2016-01-05. Review status: criteria provided, single submitter. Criteria: GeneDx Variant Classification (06012015). Collection method: clinical testing. Allele origin: germline. Affected: yes.
Comment: This variant is considered likely benign or benign based on one or more of the following criteria: it is a conservative change, it occurs at a poorly conserved position in the protein, it is predicted to be benign by multiple in silico algorithms, and/or has population frequency not consistent with disease.